The following is an entry in ClinVar:

ClinVar aggregate classification (germline): Uncertain significance (1 of 4 stars; one submission).

Conditions:
Familial encephalopathy with neuroserpin inclusion bodies. Also called: ENCEPHALOPATHY, FAMILIAL, WITH COLLINS BODIES. Identifiers: Orphanet 85110, MedGen C1858680, MONDO:0011412, OMIM 604218.

Allele frequency attached by ClinVar (database versions not stated): gnomAD exomes 0.00001.

Submission:

Labcorp Genetics (formerly Invitae), Labcorp
Classification: Uncertain significance for Familial encephalopathy with neuroserpin inclusion bodies. Last evaluated: 2022-07-19. Review status: criteria provided, single submitter. Criteria: Invitae Variant Classification Sherloc (09022015). Collection method: clinical testing. Allele origin: germline.
Comment: Advanced modeling of protein sequence and biophysical properties (such as structural, functional, and spatial information, amino acid conservation, physicochemical variation, residue mobility, and thermodynamic stability) performed at Invitae indicates that this missense variant is not expected to disrupt SERPINI1 protein function. ClinVar contains an entry for this variant (Variation ID: 1513397). This variant has not been reported in the literature in individuals affected with SERPINI1-related conditions. This variant is not present in population databases (gnomAD no frequency). This sequence change replaces methionine, which is neutral and non-polar, with valine, which is neutral and non-polar, at codon 15 of the SERPINI1 protein (p.Met15Val). In summary, the available evidence is currently insufficient to determine the role of this variant in disease. Therefore, it has been classified as a Variant of Uncertain Significance.

NM_001122752.2(SERPINI1):c.43A>G (p.Met15Val)

Gene: SERPINI1 (serpin family I member 1; plus strand). Cytogenetic location: 3q26.1.
Variant type: single nucleotide variant.
Coding change: c.43A>G on transcript NM_001122752.2 (MANE Select); coding-DNA position 43, A replaced by G.
Protein change: p.Met15Val; replaces methionine 15 with valine.
Molecular consequence: missense variant.
Genome position (GRCh38, 1-based): chr3:167,789,171, A>G. VCF-style: chr3-167789171-A-G. GRCh37 (hg19) VCF-style: chr3-167506959-A-G.
Other names: c.43A>G, p.Met15Val (NM_005025.5); short protein forms M15V.
Identifiers: ClinVar variation 1513397 (VCV001513397.6), dbSNP rs1727411590, ClinGen allele CA355155421.
Genomic context (GRCh38, chr3:167,789,171, plus strand): 5'-GCTTGAAACTGTTACAATATGGCTTTCCTTGGACTCTTCTCTTTGCTGGTTCTGCAAAGT[A>G]TGGCTACAGGGGCCACTTTCCCTGAGGAAGCCATTGCTGACTTGTCAGTGAATATGTATA-3'
Protein context (NP_001116224.1, residues 5-25): GLFSLLVLQS[Met15Val]ATGATFPEEA